The following is an entry in ClinVar:

NM_000540.3(RYR1):c.7588A>C (p.Met2530Leu)

Gene: RYR1 (ryanodine receptor 1; plus strand). Cytogenetic location: 19q13.2.
Variant type: single nucleotide variant.
Coding change: c.7588A>C on transcript NM_000540.3 (MANE Select); coding-DNA position 7588, A replaced by C.
Protein change: p.Met2530Leu; replaces methionine 2530 with leucine.
Molecular consequence: missense variant.
Genome position (GRCh38, 1-based): chr19:38,500,964, A>C. VCF-style: chr19-38500964-A-C. GRCh37 (hg19) VCF-style: chr19-38991604-A-C.
Other names: c.7588A>C, p.Met2530Leu (NM_001042723.2); short protein forms M2530L.
Identifiers: ClinVar variation 2435522 (VCV002435522.5), dbSNP rs746848608, ClinGen allele CA069783.
Genomic context (GRCh38, chr19:38,500,964, plus strand): 5'-TATGGCATCGAGAACCAGGACTTCTTGCTGCACGTGCTGGACGTGGGGTTCCTGCCCGAC[A>C]TGAGGGCAGCCGCCTCGCTGGACACGGTGAGCAACCCTGCCCAGCCTGGCCACCCTCCCC-3'
Protein context (NP_000531.2, residues 2520-2540): HVLDVGFLPD[Met2530Leu]RAAASLDTAT

ClinVar aggregate classification (germline): Uncertain significance. Review status: criteria provided, multiple submitters, no conflicts (2 of 4 stars). 3 submissions from 3 submitters: Uncertain significance (3). Last evaluated 2025-07-15.

Conditions:
Inborn genetic diseases. Identifiers: MedGen C0950123, MeSH D030342.
Malignant hyperthermia, susceptibility to, 1 (MHS1). Also called: Anesthesia related hyperthermia; Malignant hyperpyrexia; Fulminating hyperpyrexia; Pharmacogenic myopathy; Malignant hyperthermia suceptibility 1; RYR1-Related Malignant Hyperthermia Susceptibility. Identifiers: Orphanet 423, MedGen C2930980, MONDO:0007783, OMIM 145600.

Allele frequency attached by ClinVar (database versions not stated): ExAC 0.00001.
gnomAD v4.1: 6 of 1,612,324 alleles (0.00037%); highest among the groups gnomAD compares: Non-Finnish European, 0.00051%; no homozygotes.

Submissions (3):

Ambry Genetics
Classification: Uncertain significance for Inborn genetic diseases. Last evaluated: 2025-07-15. Review status: criteria provided, single submitter. Criteria: Ambry Variant Classification Scheme 2023. Collection method: clinical testing. Allele origin: germline.

All of Us Research Program, National Institutes of Health
Classification: Uncertain significance for Malignant hyperthermia, susceptibility to, 1. Last evaluated: 2024-08-06. Review status: criteria provided, single submitter. Criteria: ACMG Guidelines, 2015. Collection method: clinical testing. Allele origin: germline. Inheritance: Autosomal dominant inheritance. Observed: 5 variant alleles, 5 heterozygotes.
Comment: This missense variant replaces methionine with leucine at codon 2530 of the RYR1 protein. Computational prediction suggests that this variant may not impact protein structure and function (internally defined REVEL score threshold <= 0.5, PMID: 27666373). To our knowledge, functional studies have not been reported for this variant. This variant has not been reported in individuals affected with RYR1-related disorders in the literature. This variant has been identified in 1/244386 chromosomes in the general population by the Genome Aggregation Database (gnomAD). The available evidence is insufficient to determine the role of this variant in disease conclusively. Therefore, this variant is classified as a Variant of Uncertain Significance.

This study involves interpretation of variants in research participants for the purpose of population health screening. Participant phenotype was not available at the time of variant classification. Additional details can be found in publication PMID: 35346344, PMCID: PMC8962531

Revvity Omics, Revvity
Classification: Uncertain significance. Last evaluated: 2023-03-16. Review status: criteria provided, single submitter. Criteria: ACMG Guidelines, 2015. Collection method: clinical testing. Allele origin: germline.